The following is an entry in ClinVar:

NM_001080467.3(MYO5B):c.138+3A>C

Gene: MYO5B (myosin VB; minus strand). Cytogenetic location: 18q21.1.
Variant type: single nucleotide variant.
Coding change: c.138+3A>C on transcript NM_001080467.3 (MANE Select); 3 bases into the intron after coding-DNA position 138, A replaced by C.
Molecular consequence: intron variant.
Genome position (GRCh38, 1-based): chr18:50,055,265, T>G on the plus strand (A>C on the coding strand, the complement: MYO5B is on the minus strand). VCF-style: chr18-50055265-T-G. GRCh37 (hg19) VCF-style: chr18-47581635-T-G.
Identifiers: ClinVar variation 2173152 (VCV002173152.4), dbSNP rs373277217, ClinGen allele CA8962012.

ClinVar aggregate classification (germline): Uncertain significance (1 of 4 stars; one submission).

Allele frequency attached by ClinVar (database versions not stated): gnomAD exomes 0.00001; ExAC 0.00002; gnomAD 0.00003; TOPMed 0.00003; ESP Exome Variant Server 0.00008; 1000 Genomes Project 0.00020; 1000 Genomes Project 30x 0.00031.
gnomAD v4.1: 24 of 1,051,230 alleles (0.0023%); highest among the groups gnomAD compares: African/African-American, 0.016%; 1 homozygote.

Submission:

Labcorp Genetics (formerly Invitae), Labcorp
Classification: Uncertain significance. Last evaluated: 2024-12-16. Review status: criteria provided, single submitter. Criteria: Invitae Variant Classification Sherloc (09022015). Collection method: clinical testing. Allele origin: germline.
Comment: This sequence change falls in intron 2 of the MYO5B gene. It does not directly change the encoded amino acid sequence of the MYO5B protein. It affects a nucleotide within the consensus splice site. The frequency data for this variant in the population databases is considered unreliable, as metrics indicate poor data quality at this position in the gnomAD database. This variant has not been reported in the literature in individuals affected with MYO5B-related conditions. ClinVar contains an entry for this variant (Variation ID: 2173152). Variants that disrupt the consensus splice site are a relatively common cause of aberrant splicing (PMID: 17576681, 9536098). Algorithms developed to predict the effect of sequence changes on RNA splicing suggest that this variant may disrupt the consensus splice site. In summary, the available evidence is currently insufficient to determine the role of this variant in disease. Therefore, it has been classified as a Variant of Uncertain Significance.

Literature cited by the submitters: PubMed 17576681; PubMed 9536098.